The following is an entry in ClinVar:

NM_000283.4(PDE6B):c.739T>A (p.Phe247Ile)

Genes: PDE6B (phosphodiesterase 6B; plus strand), PDE6B-AS1 (PDE6B antisense RNA 1; minus strand). Cytogenetic location: 4p16.3.
Variant type: single nucleotide variant.
Coding change: c.739T>A on transcript NM_000283.4 (MANE Select); coding-DNA position 739, T replaced by A.
Protein change: p.Phe247Ile; replaces phenylalanine 247 with isoleucine.
Molecular consequence: missense variant. On other transcripts: 5 prime UTR variant (5).
Genome position (GRCh38, 1-based): chr4:653,879, T>A. VCF-style: chr4-653879-T-A. GRCh37 (hg19) VCF-style: chr4-647668-T-A.
Other names: c.739T>A, p.Phe247Ile (NM_001145291.2); c.-99T>A (NM_001145292.2, NM_001350154.3, NM_001379246.1 and 1 more transcripts); c.-302T>A (NM_001350155.3); short protein forms F247I.
Identifiers: ClinVar variation 349362 (VCV000349362.12), dbSNP rs780521818, ClinGen allele CA2794105.
Genomic context (GRCh38, chr4:653,879, plus strand): 5'-GCCACAGGCCCACAGGTGTGCCCCTCCCTCCAGGTGCTGCTGTGGTCGGCCAACAAGGTG[T>A]TTGAGGAGCTGACGGACATCGAGAGGCAGTTCCACAAGGCCTTCTACACGGTGCGGGCCT-3'
Protein context (NP_000274.3, residues 237-257): QVLLWSANKV[Phe247Ile]EELTDIERQF

ClinVar aggregate classification (germline): Conflicting classifications of pathogenicity. Review status: criteria provided, conflicting classifications (1 of 4 stars). 8 submissions from 7 submitters: Pathogenic (1); Likely pathogenic (2); Uncertain significance (4). 1 of the submissions does not count toward it. Last evaluated 2021-06-17.

Conditions:
PDE6B-related disorder. Also called: PDE6B-related disorders; PDE6B-related disease; PDE6B-related condition.
Retinal dystrophy. Also called: Inherited retinal dystrophy. Identifiers: Orphanet 71862, MedGen C0854723, MeSH D058499, MONDO:0019118, HP:0000556.
Retinitis pigmentosa (RP). Identifiers: Orphanet 791, MedGen C0035334, MeSH D012174, MONDO:0019200, OMIM 268000. Inheritance: Autosomal dominant, autosomal recessive and X linked inheritance.
Congenital stationary night blindness autosomal dominant 2. Also called: NIGHT BLINDNESS, CONGENITAL STATIONARY, RAMBUSCH TYPE. Identifiers: Orphanet 215, MedGen C1876182, MONDO:0008099, OMIM 163500.
Retinitis pigmentosa 40 (RP40). Identifiers: Orphanet 791, MedGen C3151107, MONDO:0013429, OMIM 613801.

Allele frequency attached by ClinVar (database versions not stated): ExAC 0.00001; gnomAD 0.00001; gnomAD exomes 0.00001; TOPMed 0.00001.
gnomAD v4.1: 23 of 1,613,566 alleles (0.0014%); highest among the groups gnomAD compares: Non-Finnish European, 0.0019%; no homozygotes.

Submissions (8):

Institute of Medical Genetics and Applied Genomics, University Hospital Tübingen
Classification: Likely pathogenic. Last evaluated: 2021-06-17. Review status: criteria provided, single submitter. Criteria: ACMG Guidelines, 2015. Collection method: clinical testing. Allele origin: germline. Inheritance: Autosomal recessive inheritance. Affected: yes.

Ocular Genomics Institute, Massachusetts Eye and Ear
Classification: Uncertain significance for Retinitis pigmentosa 40. Last evaluated: 2021-04-08. Review status: criteria provided, single submitter. Criteria: ACMG Guidelines, 2015. Collection method: research. Allele origin: germline. Affected: yes.
Comment: Through a review of available evidence we were able to apply the following criteria: PM2. Based on this evidence we have classified this variant as Variant of Uncertain Significance.

Broad Center for Mendelian Genomics, Broad Institute of MIT and Harvard
Classification: Uncertain significance for Retinitis pigmentosa. Last evaluated: 2021-04-01. Review status: criteria provided, single submitter. Criteria: ACMG Guidelines, 2015. Collection method: curation. Allele origin: germline. Inheritance: Autosomal recessive inheritance. Affected: yes.
Comment: Through a review of available evidence we were able to apply the following criteria: PM2. Based on this evidence we have classified this variant as a Variant of Uncertain Significance. If you have any questions about the classification please reach out to the Pierce Lab.

Blueprint Genetics
Classification: Pathogenic for PDE6B-related disorders. Last evaluated: 2020-02-20. Review status: criteria provided, single submitter. Criteria: ACMG Guidelines, 2015. Collection method: clinical testing. Allele origin: germline. Affected: yes. Observed: 3 variant alleles.

Illumina Laboratory Services, Illumina
Classification: Uncertain significance for Congenital stationary night blindness autosomal dominant 2. Last evaluated: 2018-01-13. Review status: criteria provided, single submitter. Criteria: ICSL Variant Classification Criteria 13 December 2019. Collection method: clinical testing. Allele origin: germline.

Illumina Laboratory Services, Illumina
Classification: Uncertain significance for Retinitis pigmentosa. Last evaluated: 2018-01-13. Review status: criteria provided, single submitter. Criteria: ICSL Variant Classification Criteria 13 December 2019. Collection method: clinical testing. Allele origin: germline.

Institute of Human Genetics, Univ. Regensburg, Univ. Regensburg
Classification: Likely pathogenic for Retinal dystrophy. Last evaluated: 2017-01-01. Review status: criteria provided, single submitter. Criteria: ACMG Guidelines, 2015. Collection method: clinical testing. Allele origin: germline. Affected: yes.

NIHR Bioresource Rare Diseases, University of Cambridge
Classification: Likely pathogenic for Retinitis pigmentosa. Last evaluated: 2015-01-01. Review status: no assertion criteria provided. Collection method: research. Allele origin: unknown. Affected: yes. Observed: 1 variant allele. Not counted in ClinVar's aggregate classification.

Literature cited by the submitters: PubMed 28041643 (cited by 4 submitters); PubMed 34906470 (cited by Broad Center for Mendelian Genomics, Broad Institute of MIT and Harvard); PubMed 32581362 (cited by Institute of Human Genetics, Univ. Regensburg, Univ. Regensburg); PubMed 32037395 (cited by Institute of Human Genetics, Univ. Regensburg, Univ. Regensburg); PubMed 36460718 (cited by Institute of Human Genetics, Univ. Regensburg, Univ. Regensburg).